The following is an entry in ClinVar:

NM_004329.3(BMPR1A):c.1559C>T (p.Thr520Met)

Gene: BMPR1A (bone morphogenetic protein receptor type 1A; plus strand). Cytogenetic location: 10q23.2.
Variant type: single nucleotide variant.
Coding change: c.1559C>T on transcript NM_004329.3 (MANE Select); coding-DNA position 1559, C replaced by T.
Protein change: p.Thr520Met; replaces threonine 520 with methionine.
Molecular consequence: missense variant.
Genome position (GRCh38, 1-based): chr10:86,923,679, C>T. VCF-style: chr10-86923679-C-T. GRCh37 (hg19) VCF-style: chr10-88683436-C-T.
Other names: short protein forms T520M.
Identifiers: ClinVar variation 578806 (VCV000578806.18), dbSNP rs1179044384, ClinGen allele CA377463961.
Genomic context (GRCh38, chr10:86,923,679, plus strand): 5'-TGTCAGAATGCTGGGCCCACAATCCAGCCTCCAGACTCACAGCATTGAGAATTAAGAAGA[C>T]GCTTGCCAAGATGGTTGAATCCCAAGATGTAAAAATCTGATGGTTAAACCATCGGAGGAG-3'
Protein context (NP_004320.2, residues 510-530): SRLTALRIKK[Thr520Met]LAKMVESQDV

ClinVar aggregate classification (germline): Uncertain significance. Review status: criteria provided, multiple submitters, no conflicts (2 of 4 stars). 3 submissions from 3 submitters: Uncertain significance (3). Last evaluated 2025-12-17.

Conditions:
Hereditary cancer-predisposing syndrome. Also called: Neoplastic Syndromes, Hereditary; Hereditary neoplastic syndrome; Tumor predisposition; Hereditary Cancer Syndrome. Identifiers: Orphanet 140162, MedGen C0027672, MeSH D009386, MONDO:0015356.
Juvenile polyposis syndrome (JPS). Identifiers: Orphanet 2929, MedGen C0345893, MONDO:0017380, OMIM 174900.

Allele frequency attached by ClinVar (database versions not stated): gnomAD 0.00001; gnomAD exomes 0.00001 and below 0.00001; TOPMed 0.00001.
gnomAD v4.1: 4 of 1,614,042 alleles (0.00025%); highest among the groups gnomAD compares: Non-Finnish European, 0.00034%; no homozygotes.

Submissions (3):

Ambry Genetics
Classification: Uncertain significance for Hereditary cancer-predisposing syndrome. Last evaluated: 2025-12-17. Review status: criteria provided, single submitter. Criteria: Ambry Variant Classification Scheme 2023. Collection method: clinical testing. Allele origin: germline.
Comment: The p.T520M variant (also known as c.1559C>T), located in coding exon 11 of the BMPR1A gene, results from a C to T substitution at nucleotide position 1559. The threonine at codon 520 is replaced by methionine, an amino acid with similar properties. This amino acid position is highly conserved in available vertebrate species. In addition, this alteration is predicted to be deleterious by in silico analysis. Based on the available evidence, the clinical significance of this variant remains unclear.

Labcorp Genetics (formerly Invitae), Labcorp
Classification: Uncertain significance for Juvenile polyposis syndrome. Last evaluated: 2024-12-10. Review status: criteria provided, single submitter. Criteria: Invitae Variant Classification Sherloc (09022015). Collection method: clinical testing. Allele origin: germline.
Comment: This sequence change replaces threonine, which is neutral and polar, with methionine, which is neutral and non-polar, at codon 520 of the BMPR1A protein (p.Thr520Met). This variant is present in population databases (no rsID available, gnomAD 0.0009%). This variant has not been reported in the literature in individuals affected with BMPR1A-related conditions. ClinVar contains an entry for this variant (Variation ID: 578806). Invitae Evidence Modeling of protein sequence and biophysical properties (such as structural, functional, and spatial information, amino acid conservation, physicochemical variation, residue mobility, and thermodynamic stability) indicates that this missense variant is not expected to disrupt BMPR1A protein function with a negative predictive value of 80%. In summary, the available evidence is currently insufficient to determine the role of this variant in disease. Therefore, it has been classified as a Variant of Uncertain Significance.

All of Us Research Program, National Institutes of Health
Classification: Uncertain significance for Juvenile polyposis syndrome. Last evaluated: 2023-07-10. Review status: criteria provided, single submitter. Criteria: ACMG Guidelines, 2015. Collection method: clinical testing. Allele origin: germline. Inheritance: Autosomal dominant inheritance. Observed: 1 variant allele, 1 heterozygote.
Comment: This missense variant replaces threonine with methionine at codon 520 of the BMPR1A protein. Computational prediction suggests that this variant may have deleterious impact on protein structure and function (internally defined REVEL score threshold >= 0.7, PMID: 27666373). To our knowledge, functional studies have not been reported for this variant. This variant has not been reported in individuals affected with BMPR1A-related disorders in the literature. This variant has been identified in 1/251466 chromosomes in the general population by the Genome Aggregation Database (gnomAD). The available evidence is insufficient to determine the role of this variant in disease conclusively. Therefore, this variant is classified as a Variant of Uncertain Significance.

This study involves interpretation of variants in research participants for the purpose of population health screening. Participant phenotype was not available at the time of variant classification. Additional details can be found in publication PMID: 35346344, PMCID: PMC8962531